The following is an entry in ClinVar:

ClinVar aggregate classification (germline): Pathogenic/Likely pathogenic. Review status: criteria provided, multiple submitters, no conflicts (2 of 4 stars). 2 submissions from 2 submitters: Pathogenic (1); Likely pathogenic (1). Last evaluated 2024-03-16.

Conditions:
SKIN/HAIR/EYE PIGMENTATION 1, BLUE/NONBLUE EYES (SHEP1). Also called: BROWN EYE COLOR 2; EYE COLOR 3; EYE COLOR, BLUE/NONBLUE; EYE COLOR, BROWN/BLUE; HAIR COLOR 3; SKIN/HAIR/EYE PIGMENTATION 1, BLOND/BROWN HAIR. Identifiers: MedGen C1856895, OMIM 227220.
Tyrosinase-positive oculocutaneous albinism (OCA2). Also called: ALBINISM II; Oculocutaneous albinism type 2; Albinism, oculocutaneous, type II. Identifiers: Orphanet 79432, MedGen C0268495, MONDO:0008746, OMIM 203200.

gnomAD v4.1: 5 of 1,614,166 alleles (0.00031%); highest among the groups gnomAD compares: Non-Finnish European, 0.00042%; no homozygotes.

Submissions (2):

Fulgent Genetics
Classification: Likely pathogenic for Tyrosinase-positive oculocutaneous albinism; SKIN/HAIR/EYE PIGMENTATION 1, BLUE/NONBLUE EYES. Last evaluated: 2024-03-16. Review status: criteria provided, single submitter. Criteria: ACMG Guidelines, 2015. Collection method: clinical testing. Allele origin: germline.

Labcorp Genetics (formerly Invitae), Labcorp
Classification: Pathogenic. Last evaluated: 2023-06-03. Review status: criteria provided, single submitter. Criteria: Invitae Variant Classification Sherloc (09022015). Collection method: clinical testing. Allele origin: germline.
Comment: This variant disrupts the p.Ile473 amino acid residue in OCA2. Other variant(s) that disrupt this residue have been observed in individuals with OCA2-related conditions (PMID: 9259203), which suggests that this may be a clinically significant amino acid residue. Advanced modeling of protein sequence and biophysical properties (such as structural, functional, and spatial information, amino acid conservation, physicochemical variation, residue mobility, and thermodynamic stability) has been performed at Invitae for this missense variant, however the output from this modeling did not meet the statistical confidence thresholds required to predict the impact of this variant on OCA2 protein function. ClinVar contains an entry for this variant (Variation ID: 2018331). This missense change has been observed in individual(s) with clinical features of ocular albinism (Invitae). In at least one individual the data is consistent with being in trans (on the opposite chromosome) from a pathogenic variant. It has also been observed to segregate with disease in related individuals. This variant is not present in population databases (gnomAD no frequency). This sequence change replaces isoleucine, which is neutral and non-polar, with asparagine, which is neutral and polar, at codon 473 of the OCA2 protein (p.Ile473Asn). For these reasons, this variant has been classified as Pathogenic.

Literature cited by the submitters: PubMed 9259203 (cited by Labcorp Genetics (formerly Invitae), Labcorp).

NM_000275.3(OCA2):c.1418T>A (p.Ile473Asn)

Gene: OCA2 (OCA2 melanosomal transmembrane protein; minus strand). Cytogenetic location: 15q13.1.
Variant type: single nucleotide variant.
Coding change: c.1418T>A on transcript NM_000275.3 (MANE Select); coding-DNA position 1418, T replaced by A.
Protein change: p.Ile473Asn; replaces isoleucine 473 with asparagine.
Molecular consequence: missense variant.
Genome position (GRCh38, 1-based): chr15:27,983,430, A>T on the plus strand (T>A on the coding strand, the complement: OCA2 is on the minus strand). VCF-style: chr15-27983430-A-T. GRCh37 (hg19) VCF-style: chr15-28228576-A-T.
Other names: c.1346T>A, p.Ile449Asn (NM_001300984.2); short protein forms I449N, I473N.
Identifiers: ClinVar variation 2018331 (VCV002018331.5), dbSNP rs781118824, ClinGen allele CA267890284.